The following is an entry in ClinVar:

NM_006231.4(POLE):c.2953T>C (p.Phe985Leu)

Gene: POLE (DNA polymerase epsilon, catalytic subunit; minus strand). Cytogenetic location: 12q24.33.
Variant type: single nucleotide variant.
Coding change: c.2953T>C on transcript NM_006231.4 (MANE Select); coding-DNA position 2953, T replaced by C.
Protein change: p.Phe985Leu; replaces phenylalanine 985 with leucine.
Molecular consequence: missense variant.
Genome position (GRCh38, 1-based): chr12:132,661,076, A>G on the plus strand (T>C on the coding strand, the complement: POLE is on the minus strand). VCF-style: chr12-132661076-A-G. GRCh37 (hg19) VCF-style: chr12-133237662-A-G.
Other names: short protein forms F985L.
Identifiers: ClinVar variation 1798087 (VCV001798087.6), dbSNP rs2138690841, ClinGen allele CA387392516.
Genomic context (GRCh38, chr12:132,661,076, plus strand): 5'-AGCCATACACCTCTTCCAGCGTGCTGCCCTTGAGGAAGGCCTCAAACACCGAGGATTGGA[A>G]GATCTTAATCAGCTGCAGTTCCCCGCGGCGTTTGACCTCAAAGCCCTTGAGCTCAGCCAG-3'
Protein context (NP_006222.2, residues 975-995): RRGELQLIKI[Phe985Leu]QSSVFEAFLK

ClinVar aggregate classification (germline): Uncertain significance. Review status: criteria provided, multiple submitters, no conflicts (2 of 4 stars). 2 submissions from 2 submitters: Uncertain significance (2). Last evaluated 2025-09-16.

Conditions:
Hereditary cancer-predisposing syndrome. Also called: Neoplastic Syndromes, Hereditary; Tumor predisposition; Hereditary Cancer Syndrome; Hereditary neoplastic syndrome. Identifiers: Orphanet 140162, MedGen C0027672, MeSH D009386, MONDO:0015356.

Submissions (2):

Labcorp Genetics (formerly Invitae), Labcorp
Classification: Uncertain significance. Last evaluated: 2025-09-16. Review status: criteria provided, single submitter. Criteria: Invitae Variant Classification Sherloc (09022015). Collection method: clinical testing. Allele origin: germline.
Comment: This sequence change replaces phenylalanine, which is neutral and non-polar, with leucine, which is neutral and non-polar, at codon 985 of the POLE protein (p.Phe985Leu). This variant is not present in population databases (gnomAD no frequency). This variant has not been reported in the literature in individuals affected with POLE-related conditions. ClinVar contains an entry for this variant (Variation ID: 1798087). Invitae Evidence Modeling of protein sequence and biophysical properties (such as structural, functional, and spatial information, amino acid conservation, physicochemical variation, residue mobility, and thermodynamic stability) indicates that this missense variant is expected to disrupt POLE protein function with a positive predictive value of 80%. In summary, the available evidence is currently insufficient to determine the role of this variant in disease. Therefore, it has been classified as a Variant of Uncertain Significance.

Ambry Genetics
Classification: Uncertain significance for Hereditary cancer-predisposing syndrome. Last evaluated: 2025-04-29. Review status: criteria provided, single submitter. Criteria: Ambry Variant Classification Scheme 2023. Collection method: clinical testing. Allele origin: germline.
Comment: The p.F985L variant (also known as c.2953T>C), located in coding exon 25 of the POLE gene, results from a T to C substitution at nucleotide position 2953. The phenylalanine at codon 985 is replaced by leucine, an amino acid with highly similar properties. This amino acid position is highly conserved in available vertebrate species. In addition, the in silico prediction for this alteration is inconclusive. Based on the available evidence, the clinical significance of this variant remains unclear.